The following is an entry in ClinVar:

ClinVar aggregate classification (germline): Uncertain significance (1 of 4 stars; one submission).

gnomAD v4.1: 71 of 1,613,316 alleles (0.0044%); highest among the groups gnomAD compares: Non-Finnish European, 0.004%; no homozygotes.

Submission:

Mayo Clinic Laboratories, Mayo Clinic
Classification: Uncertain significance. Last evaluated: 2025-06-04. Review status: criteria provided, single submitter. Criteria: ACMG Guidelines, 2015. Collection method: clinical testing. Allele origin: germline. Observed: 1 variant allele.
Comment: BP4

NM_001385079.1(PDE10A):c.1405A>G (p.Ile469Val)

Gene: PDE10A (phosphodiesterase 10A; minus strand). Cytogenetic location: 6q27.
Variant type: single nucleotide variant.
Coding change: c.1405A>G on transcript NM_001385079.1 (MANE Select); coding-DNA position 1405, A replaced by G.
Protein change: p.Ile469Val; replaces isoleucine 469 with valine.
Molecular consequence: missense variant.
Genome position (GRCh38, 1-based): chr6:165,433,060, T>C on the plus strand (A>G on the coding strand, the complement: PDE10A is on the minus strand). VCF-style: chr6-165433060-T-C. GRCh37 (hg19) VCF-style: chr6-165846548-T-C.
Other names: p.Ile203Val; c.607A>G, p.Ile203Val (NM_001130690.3); c.577A>G, p.Ile193Val (NM_006661.4); short protein forms I193V, I203V, I469V.
Identifiers: ClinVar variation 4541247 (VCV004541247.1).